The following is an entry in ClinVar:

ClinVar aggregate classification (germline): Benign/Likely benign. Review status: criteria provided, multiple submitters, no conflicts (2 of 4 stars). 5 submissions from 5 submitters: Benign (3); Likely benign (2). Last evaluated 2026-02-01.

Conditions:
MEGF10-related myopathy (CMYO10A). Also called: Congenital myopathy 10A, severe variant. Identifiers: Orphanet 439212, MedGen C3280679, MONDO:0013731, OMIM 614399.

Allele frequency attached by ClinVar (database versions not stated): gnomAD 0.00145 and 0.00194; gnomAD exomes 0.00341; ESP Exome Variant Server 0.00062; TOPMed 0.00228; ExAC 0.00328; 1000 Genomes Project 30x 0.00937; 1000 Genomes Project 0.01038.
gnomAD v4.1: 2,165 of 1,614,078 alleles (0.13%); highest among the groups gnomAD compares: East Asian, 3.4%; 35 homozygotes.

Submissions (5):

Labcorp Genetics (formerly Invitae), Labcorp
Classification: Benign for MEGF10-related myopathy. Last evaluated: 2026-02-01. Review status: criteria provided, single submitter. Criteria: Invitae Variant Classification Sherloc (09022015). Collection method: clinical testing. Allele origin: germline.

Illumina Laboratory Services, Illumina
Classification: Likely benign for MEGF10-related myopathy. Last evaluated: 2018-01-12. Review status: criteria provided, single submitter. Criteria: ICSL Variant Classification Criteria 13 December 2019. Collection method: clinical testing. Allele origin: germline.
Comment: This variant was observed in the ICSL laboratory as part of a predisposition screen in an ostensibly healthy population. It had not been previously curated by ICSL or reported in the Human Gene Mutation Database (HGMD: prior to June 1st, 2018), and was therefore a candidate for classification through an automated scoring system. Utilizing variant allele frequency, disease prevalence and penetrance estimates, and inheritance mode, an automated score was calculated to assess if this variant is too frequent to cause the disease. Based on the score and internal cut-off values, a variant classified as likely benign is not then subjected to further curation. The score for this variant resulted in a classification of likely benign for this disease.

GeneDx
Classification: Benign. Last evaluated: 2016-07-27. Review status: criteria provided, single submitter. Criteria: GeneDx Variant Classification (06012015). Collection method: clinical testing. Allele origin: germline. Affected: yes.
Comment: This variant is considered likely benign or benign based on one or more of the following criteria: it is a conservative change, it occurs at a poorly conserved position in the protein, it is predicted to be benign by multiple in silico algorithms, and/or has population frequency not consistent with disease.

Breakthrough Genomics
Classification: Likely benign. Review status: criteria provided, single submitter. Criteria: ACMG Guidelines, 2015. Collection method: not provided. Allele origin: germline. Inheritance: Autosomal recessive inheritance. Affected: yes.

PreventionGenetics, part of Exact Sciences
Classification: Benign. Review status: criteria provided, single submitter. Criteria: ACMG Guidelines, 2015. Collection method: clinical testing. Allele origin: germline.

NM_001256545.2(MEGF10):c.2034C>T (p.Asn678=)

Gene: MEGF10 (multiple EGF like domains 10; plus strand). Cytogenetic location: 5q23.2.
Variant type: single nucleotide variant.
Coding change: c.2034C>T on transcript NM_001256545.2 (MANE Select); coding-DNA position 2034, C replaced by T.
Protein change: p.Asn678=; no amino-acid change (asparagine 678 retained).
Molecular consequence: synonymous variant.
Genome position (GRCh38, 1-based): chr5:127,435,419, C>T. VCF-style: chr5-127435419-C-T. GRCh37 (hg19) VCF-style: chr5-126771111-C-T.
Other names: c.2034C>T, p.Asn678= (NM_032446.3).
Identifiers: ClinVar variation 262067 (VCV000262067.17), dbSNP rs117124929, ClinGen allele CA3391820.
Genomic context (GRCh38, chr5:127,435,419, plus strand): 5'-AGTGTGTCCCAGTGGCAGATTTGGGAAAAACTGTGCAGGAATTTGTACCTGCACCAACAA[C>T]GGAACCTGTAACCCCATTGACAGATCTTGTCAGTGTTACCCCGGTTGGATTGGCAGTGAC-3'
Protein context (NP_001243474.1, residues 668-688): NCAGICTCTN[Asn678=]GTCNPIDRSC